The following is an entry in ClinVar:

NM_007194.4(CHEK2):c.320-20T>C

Gene: CHEK2 (checkpoint kinase 2; minus strand). Cytogenetic location: 22q12.1.
Variant type: single nucleotide variant.
Coding change: c.320-20T>C on transcript NM_007194.4 (MANE Select); 20 bases into the intron before coding-DNA position 320, T replaced by C.
Molecular consequence: intron variant.
Genome position (GRCh38, 1-based): chr22:28,725,387, A>G on the plus strand (T>C on the coding strand, the complement: CHEK2 is on the minus strand). VCF-style: chr22-28725387-A-G. GRCh37 (hg19) VCF-style: chr22-29121375-A-G.
Other names: c.-344-20T>C (NM_001437942.1); c.320-20T>C (NM_001349956.3, NM_145862.3); c.-458-20T>C (NM_001257387.3); c.413-20T>C (NM_001438295.1, NM_001438293.1); c.449-20T>C (NM_001438294.1, NM_001005735.3).
Identifiers: ClinVar variation 1667245 (VCV001667245.10), dbSNP rs1048802612, ClinGen allele CA323033475.

ClinVar aggregate classification (germline): Likely benign. Review status: criteria provided, multiple submitters, no conflicts (2 of 4 stars). 2 submissions from 2 submitters: Likely benign (2). Last evaluated 2025-10-27.

Conditions:
Familial cancer of breast. Also called: Hereditary breast cancer; BREAST CANCER, FAMILIAL; hereditary breast carcinoma. Identifiers: Orphanet 227535, MedGen C0346153, MONDO:0016419, OMIM 114480. Disease mechanism: loss of function.

Submissions (2):

Labcorp Genetics (formerly Invitae), Labcorp
Classification: Likely benign for Familial cancer of breast. Last evaluated: 2025-10-27. Review status: criteria provided, single submitter. Criteria: Invitae Variant Classification Sherloc (09022015). Collection method: clinical testing. Allele origin: germline.

Myriad Genetics, Inc.
Classification: Likely benign for Familial cancer of breast. Last evaluated: 2024-10-02. Review status: criteria provided, single submitter. Criteria: Myriad Autosomal Dominant, Autosomal Recessive and X-Linked Classification Criteria (2023). Collection method: clinical testing. Allele origin: unknown.
Comment: This variant is considered likely benign. This variant is intronic and is not expected to impact mRNA splicing.